The following is an entry in ClinVar:

NM_005676.5(RBM10):c.274G>C (p.Gly92Arg)

Gene: RBM10 (RNA binding motif protein 10; plus strand). Cytogenetic location: Xp11.3.
Variant type: single nucleotide variant.
Coding change: c.274G>C on transcript NM_005676.5 (MANE Select); coding-DNA position 274, G replaced by C.
Protein change: p.Gly92Arg; replaces glycine 92 with arginine.
Molecular consequence: missense variant. On other transcripts: intron variant (4).
Genome position (GRCh38, 1-based): chrX:47,171,100, G>C. VCF-style: chrX-47171100-G-C. GRCh37 (hg19) VCF-style: chrX-47030499-G-C.
Other names: c.274G>C, p.Gly92Arg (NM_001204467.2); c.469G>C, p.Gly157Arg (NM_001204468.2, NM_001440861.1); c.396+1602G>C (NM_001440862.1, NM_001440863.1); c.201+1602G>C (NM_001204466.2, NM_152856.3); short protein forms G92R, G157R.
Identifiers: ClinVar variation 4740829 (VCV004740829.1).
Genomic context (GRCh38, chrX:47,171,100, plus strand): 5'-GCCTCCCCGGGCTCCGAGACTCAGCGTAGGCGGCGGCGGCGGCACAGGCACAGCCCCACC[G>C]GCCCGCCAGGCTTCCCCCGAGACGGCGACTATCGGGACCAGGACTATCGGACCGAGCAAG-3'
Protein context (NP_005667.2, residues 82-102): RRRRHRHSPT[Gly92Arg]PPGFPRDGDY

ClinVar aggregate classification (germline): Uncertain significance (1 of 4 stars; one submission).

Submission:

Labcorp Genetics (formerly Invitae), Labcorp
Classification: Uncertain significance. Last evaluated: 2025-05-14. Review status: criteria provided, single submitter. Criteria: Invitae Variant Classification Sherloc (09022015). Collection method: clinical testing. Allele origin: germline.
Comment: This sequence change replaces glycine, which is neutral and non-polar, with arginine, which is basic and polar, at codon 92 of the RBM10 protein (p.Gly92Arg). This variant is not present in population databases (gnomAD no frequency). This missense change has been observed in individual(s) with clinical features of TARP syndrome (Internal data). Invitae Evidence Modeling of protein sequence and biophysical properties (such as structural, functional, and spatial information, amino acid conservation, physicochemical variation, residue mobility, and thermodynamic stability) indicates that this missense variant is not expected to disrupt RBM10 protein function with a negative predictive value of 80%. In summary, the available evidence is currently insufficient to determine the role of this variant in disease. Therefore, it has been classified as a Variant of Uncertain Significance.